The following is an entry in ClinVar:

NM_002439.5(MSH3):c.1282C>T (p.Leu428Phe)

Gene: MSH3 (mutS homolog 3; plus strand). Cytogenetic location: 5q14.1.
Variant type: single nucleotide variant.
Coding change: c.1282C>T on transcript NM_002439.5 (MANE Select); coding-DNA position 1282, C replaced by T.
Protein change: p.Leu428Phe; replaces leucine 428 with phenylalanine.
Molecular consequence: missense variant.
Genome position (GRCh38, 1-based): chr5:80,679,035, C>T. VCF-style: chr5-80679035-C-T. GRCh37 (hg19) VCF-style: chr5-79974854-C-T.
Other names: short protein forms L428F.
Identifiers: ClinVar variation 4111082 (VCV004111082.1).

ClinVar aggregate classification (germline): Uncertain significance (1 of 4 stars; one submission).

Conditions:
Hereditary cancer-predisposing syndrome. Also called: Tumor predisposition; Neoplastic Syndromes, Hereditary; Hereditary neoplastic syndrome; Hereditary Cancer Syndrome. Identifiers: Orphanet 140162, MedGen C0027672, MeSH D009386, MONDO:0015356.

Submission:

Ambry Genetics
Classification: Uncertain significance for Hereditary cancer-predisposing syndrome. Last evaluated: 2025-06-21. Review status: criteria provided, single submitter. Criteria: Ambry Variant Classification Scheme 2023. Collection method: clinical testing. Allele origin: germline.
Comment: The p.L428F variant (also known as c.1282C>T), located in coding exon 8 of the MSH3 gene, results from a C to T substitution at nucleotide position 1282. The leucine at codon 428 is replaced by phenylalanine, an amino acid with highly similar properties. This amino acid position is conserved. In addition, the in silico prediction for this alteration is inconclusive. Based on the available evidence, the clinical significance of this variant remains unclear.